The following is an entry in ClinVar:

NM_001130144.3(LTBP3):c.3383C>T (p.Ala1128Val)

Genes: LTBP3 (latent transforming growth factor beta binding protein 3; minus strand), LOC130006027 (ATAC-STARR-seq lymphoblastoid silent region 3530; plus strand). Cytogenetic location: 11q13.1.
Variant type: single nucleotide variant.
Coding change: c.3383C>T on transcript NM_001130144.3 (MANE Select); coding-DNA position 3383, C replaced by T.
Protein change: p.Ala1128Val; replaces alanine 1128 with valine.
Molecular consequence: missense variant. On other transcripts: intron variant (2).
Genome position (GRCh38, 1-based): chr11:65,540,015, G>A on the plus strand (C>T on the coding strand, the complement: LTBP3 is on the minus strand). VCF-style: chr11-65540015-G-A. GRCh37 (hg19) VCF-style: chr11-65307486-G-A.
Other names: c.2894-134C>T (NM_001164266.1); c.3245-134C>T (NM_021070.4); short protein forms A1128V.
Identifiers: ClinVar variation 2822515 (VCV002822515.3), dbSNP rs2496118670, ClinGen allele CA381267009.
Genomic context (GRCh38, chr11:65,540,015, plus strand): 5'-CGGGGGCCACGTGACGGACAGGGCCCCGGGATCGGCCAAGGCCAACCCTCGCCCTCACCG[G>A]CCGGGCTCTCGGGGAGCTGGCAATCGCGGCCGGAGGGCCCGGGCACCCAGGGCGGGCGAC-3'
Protein context (NP_001123616.1, residues 1118-1138): GRDCQLPESP[Ala1128Val]ERAPERRDVC

ClinVar aggregate classification (germline): Uncertain significance (1 of 4 stars; one submission).

Conditions:
Brachyolmia-amelogenesis imperfecta syndrome. Also called: PLATYSPONDYLY WITH AMELOGENESIS IMPERFECTA; Tooth agenesis, selective, 6; Dental anomalies and short stature. Identifiers: Orphanet 2899, MedGen C1832594, MONDO:0011018, OMIM 601216. Disease mechanism: loss of function.

Submission:

Labcorp Genetics (formerly Invitae), Labcorp
Classification: Uncertain significance for Brachyolmia-amelogenesis imperfecta syndrome. Last evaluated: 2023-08-05. Review status: criteria provided, single submitter. Criteria: Invitae Variant Classification Sherloc (09022015). Collection method: clinical testing. Allele origin: germline.
Comment: This sequence change replaces alanine, which is neutral and non-polar, with valine, which is neutral and non-polar, at codon 1128 of the LTBP3 protein (p.Ala1128Val). This variant is not present in population databases (gnomAD no frequency). This variant has not been reported in the literature in individuals affected with LTBP3-related conditions. An algorithm developed to predict the effect of missense changes on protein structure and function (PolyPhen-2) suggests that this variant is likely to be disruptive. Algorithms developed to predict the effect of sequence changes on RNA splicing suggest that this variant may create or strengthen a splice site. In summary, the available evidence is currently insufficient to determine the role of this variant in disease. Therefore, it has been classified as a Variant of Uncertain Significance.